The following is an entry in ClinVar:

ClinVar aggregate classification (germline): Pathogenic/Likely pathogenic. Review status: criteria provided, multiple submitters, no conflicts (2 of 4 stars). 3 submissions from 3 submitters: Pathogenic (1); Likely pathogenic (2). Last evaluated 2025-07-22.

Conditions:
Deficiency of steroid 17-alpha-monooxygenase. Also called: 17-alpha-hydroxylase/17,20-lyase deficiency; ADRENAL HYPERPLASIA V; 17-ALPHA-HYDROXYLASE DEFICIENCY; Congenital adrenal hyperplasia due to 17-alpha-hydroxylase deficiency; Congenital adrenal hyperplasia type 5. Identifiers: Orphanet 90793, MedGen C0268285, MONDO:0008730, OMIM 202110.

Submissions (3):

Natera, Inc.
Classification: Likely pathogenic for Deficiency of steroid 17-alpha-monooxygenase. Last evaluated: 2025-07-22. Review status: criteria provided, single submitter. Criteria: Natera Variant Classification Schema (03/2026). Collection method: clinical testing. Allele origin: germline.
Comment: The c.1371delC variant in CYP17A1 is a frameshift variant predicted to shift the reading frame beginning at codon 458 and leads to a stop codon 28 codons downstream. This variant is expected to result in nonsense mediated decay, truncation, or a dysfunctional protein product. This variant is rare in the general population with a frequency below the threshold expected for the associated phenotype(s). Given the available evidence, this variant is classified as Likely Pathogenic.

Baylor Genetics
Classification: Likely pathogenic for Deficiency of steroid 17-alpha-monooxygenase. Last evaluated: 2024-03-28. Review status: criteria provided, single submitter. Criteria: ACMG Guidelines, 2015. Collection method: clinical testing. Allele origin: unknown.

Labcorp Genetics (formerly Invitae), Labcorp
Classification: Pathogenic. Last evaluated: 2024-02-22. Review status: criteria provided, single submitter. Criteria: Invitae Variant Classification Sherloc (09022015). Collection method: clinical testing. Allele origin: germline.
Comment: This sequence change creates a premature translational stop signal (p.Trp458Glyfs*28) in the CYP17A1 gene. While this is not anticipated to result in nonsense mediated decay, it is expected to disrupt the last 51 amino acid(s) of the CYP17A1 protein. The frequency data for this variant in the population databases is considered unreliable, as metrics indicate poor data quality at this position in the gnomAD database. This variant has not been reported in the literature in individuals affected with CYP17A1-related conditions. This variant disrupts a region of the CYP17A1 protein in which other variant(s) (p.Pro480Hisfs*27) have been determined to be pathogenic (PMID: 1577471, 2786493). This suggests that this is a clinically significant region of the protein, and that variants that disrupt it are likely to be disease-causing. For these reasons, this variant has been classified as Pathogenic.

Literature cited by the submitters: PubMed 1577471 (cited by Labcorp Genetics (formerly Invitae), Labcorp); PubMed 2786493 (cited by Labcorp Genetics (formerly Invitae), Labcorp).

NM_000102.4(CYP17A1):c.1371del (p.Trp458fs)

Gene: CYP17A1 (cytochrome P450 family 17 subfamily A member 1; minus strand). Cytogenetic location: 10q24.32.
Variant type: Deletion.
Coding change: c.1371del on transcript NM_000102.4 (MANE Select); coding-DNA position 1371, one base deleted (C; older notation c.1371delC).
Protein change: p.Trp458fs; shifts the reading frame from tryptophan 458.
Molecular consequence: frameshift variant.
Genome position (GRCh38, 1-based): chr10:102,830,858, G deleted on the plus strand (C on the coding strand, the reverse complement: CYP17A1 is on the minus strand); the first of 2 consecutive G bases (chr10:102,830,858-102,830,859); deleting either gives the same sequence. VCF-style (leftmost placement, unchanged base first): chr10-102830857-AG-A. GRCh37 (hg19) VCF-style: chr10-104590614-AG-A.
Other names: c.1371delC (NM_000102.3); short protein forms W458fs.
Identifiers: ClinVar variation 2681094 (VCV002681094.6), dbSNP rs749406474, ClinGen allele CA5669332.